The following is an entry in ClinVar:

ClinVar aggregate classification (germline): Conflicting classifications of pathogenicity. Review status: criteria provided, conflicting classifications (1 of 4 stars). 4 submissions from 4 submitters: Uncertain significance (1); Likely benign (3). Last evaluated 2024-10-06.

Conditions:
Hereditary cancer-predisposing syndrome. Also called: Hereditary Cancer Syndrome; Neoplastic Syndromes, Hereditary; Tumor predisposition; Hereditary neoplastic syndrome. Identifiers: Orphanet 140162, MedGen C0027672, MeSH D009386, MONDO:0015356.
Familial cancer of breast. Also called: Hereditary breast cancer; hereditary breast carcinoma; BREAST CANCER, FAMILIAL. Identifiers: Orphanet 227535, MedGen C0346153, MONDO:0016419, OMIM 114480. Disease mechanism: loss of function.
Ataxia-telangiectasia syndrome (AT). Also called: Ataxia telangiectasia (A-T); Ataxia-telangiectasia, complementation group E; LOUIS-BAR SYNDROME; Cerebello-oculocutaneous telangiectasia; Immunodeficiency with ataxia telangiectasia; Ataxia-telangiectasia, complementation group D. Identifiers: Orphanet 100, MedGen C0004135, MONDO:0008840, OMIM 208900.

Allele frequency attached by ClinVar (database versions not stated): TOPMed 0.00001.

Submissions (4):

Labcorp Genetics (formerly Invitae), Labcorp
Classification: Likely benign for Ataxia-telangiectasia syndrome. Last evaluated: 2024-10-06. Review status: criteria provided, single submitter. Criteria: Invitae Variant Classification Sherloc (09022015). Collection method: clinical testing. Allele origin: germline.

Myriad Genetics, Inc.
Classification: Likely benign for Familial cancer of breast. Last evaluated: 2024-05-14. Review status: criteria provided, single submitter. Criteria: Myriad Autosomal Dominant, Autosomal Recessive and X-Linked Classification Criteria (2023). Collection method: clinical testing. Allele origin: unknown.
Comment: This variant is considered likely benign. This variant is intronic and is not expected to impact mRNA splicing.

Ambry Genetics
Classification: Likely benign for Hereditary cancer-predisposing syndrome. Last evaluated: 2019-11-18. Review status: criteria provided, single submitter. Criteria: Ambry Variant Classification Scheme 2023. Collection method: clinical testing. Allele origin: germline.

Color Diagnostics, LLC DBA Color Health
Classification: Uncertain significance for Hereditary cancer-predisposing syndrome. Last evaluated: 2018-12-20. Review status: criteria provided, single submitter. Criteria: ACMG Guidelines, 2015. Collection method: clinical testing. Allele origin: germline.

NM_000051.4(ATM):c.3285-5T>C

Gene: ATM (ATM serine/threonine kinase; plus strand). Cytogenetic location: 11q22.3.
Variant type: single nucleotide variant.
Coding change: c.3285-5T>C on transcript NM_000051.4 (MANE Select); 5 bases into the intron before coding-DNA position 3285, T replaced by C.
Molecular consequence: intron variant.
Genome position (GRCh38, 1-based): chr11:108,279,486, T>C. VCF-style: chr11-108279486-T-C. GRCh37 (hg19) VCF-style: chr11-108150213-T-C.
Other names: c.3285-5T>C (NM_001351834.2).
Identifiers: ClinVar variation 232353 (VCV000232353.19), dbSNP rs876659715, ClinGen allele CA10579094.
Genomic context (GRCh38, chr11:108,279,486, plus strand): 5'-AAGTAGGGTTTGAAATTAGAAAATTATTTCACTTTTTGTTTGTTTGTTTGCTTGCTTGTT[T>C]TAAGATTGTTCCAGGACACGAAGGGAGATTCTTCCAGGTTACTGAAAGCACTTCCTTTGA-3'